The following is an entry in ClinVar:

ClinVar aggregate classification (germline): Uncertain significance (1 of 4 stars; one submission).

Submission:

GeneDx
Classification: Uncertain significance. Last evaluated: 2023-05-02. Review status: criteria provided, single submitter. Criteria: GeneDx Variant Classification Process June 2021. Collection method: clinical testing. Allele origin: germline. Affected: yes.
Comment: Not observed at significant frequency in large population cohorts (gnomAD); In silico analysis supports that this missense variant does not alter protein structure/function; Has not been previously published as pathogenic or benign to our knowledge

NM_015107.3(PHF8):c.2810C>T (p.Pro937Leu)

Gene: PHF8 (PHD finger protein 8; minus strand). Cytogenetic location: Xp11.22.
Variant type: single nucleotide variant.
Coding change: c.2810C>T on transcript NM_015107.3 (MANE Select); coding-DNA position 2810, C replaced by T.
Protein change: p.Pro937Leu; replaces proline 937 with leucine.
Molecular consequence: missense variant.
Genome position (GRCh38, 1-based): chrX:53,940,356, G>A on the plus strand (C>T on the coding strand, the complement: PHF8 is on the minus strand). VCF-style: chrX-53940356-G-A. GRCh37 (hg19) VCF-style: chrX-53966789-G-A.
Other names: c.2918C>T, p.Pro973Leu (NM_001184896.1); c.2507C>T, p.Pro836Leu (NM_001184897.2); short protein forms P836L, P937L, P973L.
Identifiers: ClinVar variation 2663332 (VCV002663332.1), dbSNP rs2519312223, ClinGen allele CA413240995.